The following is an entry in ClinVar:

ClinVar aggregate classification (germline): Uncertain significance (1 of 4 stars; one submission).

Submission:

Labcorp Genetics (formerly Invitae), Labcorp
Classification: Uncertain significance. Last evaluated: 2022-09-14. Review status: criteria provided, single submitter. Criteria: Invitae Variant Classification Sherloc (09022015). Collection method: clinical testing. Allele origin: germline.
Comment: In summary, the available evidence is currently insufficient to determine the role of this variant in disease. Therefore, it has been classified as a Variant of Uncertain Significance. Algorithms developed to predict the effect of missense changes on protein structure and function are either unavailable or do not agree on the potential impact of this missense change (SIFT: "Deleterious"; PolyPhen-2: "Probably Damaging"; Align-GVGD: "Class C0"). ClinVar contains an entry for this variant (Variation ID: 1468997). This variant has not been reported in the literature in individuals affected with RINT1-related conditions. This variant is not present in population databases (gnomAD no frequency). This sequence change replaces glycine, which is neutral and non-polar, with arginine, which is basic and polar, at codon 699 of the RINT1 protein (p.Gly699Arg).

NM_021930.6(RINT1):c.2095G>A (p.Gly699Arg)

Genes: EFCAB10 (EF-hand calcium binding domain 10; minus strand), RINT1 (RAD50 interactor 1; plus strand). Cytogenetic location: 7q22.3.
Variant type: single nucleotide variant.
Coding change: c.2095G>A on transcript NM_021930.6 (MANE Select); coding-DNA position 2095, G replaced by A.
Protein change: p.Gly699Arg; replaces glycine 699 with arginine.
Molecular consequence: missense variant. On other transcripts: non-coding transcript variant (1), intron variant (2).
Genome position (GRCh38, 1-based): chr7:105,565,557, G>A. VCF-style: chr7-105565557-G-A. GRCh37 (hg19) VCF-style: chr7-105206004-G-A.
Other names: c.442C>T, p.Leu148Phe (NM_001355530.2); c.1861G>A, p.Gly621Arg (NM_001346599.2); c.1072G>A, p.Gly358Arg (NM_001346600.2, NM_001346603.2); c.1171G>A, p.Gly391Arg (NM_001346601.2); c.360-110C>T (NM_001355531.2); c.384-110C>T (NM_001355526.2); short protein forms G358R, G621R, G699R, G391R, L148F.
Identifiers: ClinVar variation 1468997 (VCV001468997.8), dbSNP rs2133480083, ClinGen allele CA368815098.
Genomic context (GRCh38, chr7:105,565,557, plus strand): 5'-GACAACTGTTATATGAATTATTCTTTGTTTCAGATAATTCTTGCTAATCACTTCAATGAA[G>A]GAGGAGCAGCCCAGCTGCAGTTTGATATGACTCGGAATCTTTTCCCTTTGTTTTCTCACT-3'
Protein context (NP_068749.3, residues 689-709): EIILANHFNE[Gly699Arg]GAAQLQFDMT